The following is an entry in ClinVar:

ClinVar aggregate classification (germline): Uncertain significance (1 of 4 stars; one submission).

Conditions:
Inborn genetic diseases. Identifiers: MedGen C0950123, MeSH D030342.

gnomAD v4.1: 1 of 1,612,156 alleles (0.000062%); highest among the groups gnomAD compares: South Asian, 0.0011%; no homozygotes.

Submission:

Ambry Genetics
Classification: Uncertain significance for Inborn genetic diseases. Last evaluated: 2026-08-16. Review status: criteria provided, single submitter. Criteria: Ambry Variant Classification Scheme 2023. Collection method: clinical testing. Allele origin: germline.
Comment: The p.K262N variant (also known as c.786G>T), located in coding exon 7 of the CEP57 gene, results from a G to T substitution at nucleotide position 786. The lysine at codon 262 is replaced by asparagine, an amino acid with similar properties. This amino acid position is conserved. In addition, this alteration is predicted to be tolerated by in silico analysis. Based on the available evidence, the clinical significance of this variant remains unclear.

NM_014679.5(CEP57):c.786G>T (p.Lys262Asn)

Gene: CEP57 (centrosomal protein 57; plus strand). Cytogenetic location: 11q21.
Variant type: single nucleotide variant.
Coding change: c.786G>T on transcript NM_014679.5 (MANE Select); coding-DNA position 786, G replaced by T.
Protein change: p.Lys262Asn; replaces lysine 262 with asparagine.
Molecular consequence: missense variant. On other transcripts: intron variant (5).
Genome position (GRCh38, 1-based): chr11:95,821,957, G>T. VCF-style: chr11-95821957-G-T. GRCh37 (hg19) VCF-style: chr11-95555121-G-T.
Other names: c.759G>T, p.Lys253Asn (NM_001243776.2); c.786G>T, p.Lys262Asn (NM_001243777.2); c.705G>T, p.Lys235Asn (NM_001363604.2, NM_001440869.1, NM_001440870.1); c.669G>T, p.Lys223Asn (NM_001440872.1, NM_001440876.1); c.606G>T, p.Lys202Asn (NM_001440873.1); c.619-542G>T (NM_001440875.1); c.588G>T, p.Lys196Asn (NM_001440877.1, NM_001440878.1); c.525G>T, p.Lys175Asn (NM_001440880.1); and 5 more; short protein forms K163N, K202N, K253N, K235N, K175N, K223N, K262N, K196N.
Identifiers: ClinVar variation 5034384 (VCV005034384.1).